The following is an entry in ClinVar:

ClinVar aggregate classification (germline): Uncertain significance (1 of 4 stars; one submission).

Conditions:
Global developmental delay, absent or hypoplastic corpus callosum, and dysmorphic facies (GDACCF). Identifiers: MedGen C4310644, MONDO:0014994, OMIM 617260.

Submission:

Laboratorio de Genetica e Diagnostico Molecular, Hospital Israelita Albert Einstein
Classification: Uncertain significance for Global developmental delay, absent or hypoplastic corpus callosum, and dysmorphic facies. Last evaluated: 2024-09-16. Review status: criteria provided, single submitter. Criteria: ACMG Guidelines, 2015. Collection method: clinical testing. Allele origin: germline. Affected: yes.
Comment: ACMG classification criteria: PM2 supporting, PP2 supporting, BP4 supporting

NM_021964.3(ZNF148):c.2233G>C (p.Ala745Pro)

Genes: ZNF148 (zinc finger protein 148; minus strand), LOC126806798 (P300/CBP strongly-dependent group 1 enhancer GRCh37_chr3:124950809-124952008; plus strand). Cytogenetic location: 3q21.2.
Variant type: single nucleotide variant.
Coding change: c.2233G>C on transcript NM_021964.3 (MANE Select); coding-DNA position 2233, G replaced by C.
Protein change: p.Ala745Pro; replaces alanine 745 with proline.
Molecular consequence: missense variant.
Genome position (GRCh38, 1-based): chr3:125,232,493, C>G on the plus strand (G>C on the coding strand, the complement: ZNF148 is on the minus strand). VCF-style: chr3-125232493-C-G. GRCh37 (hg19) VCF-style: chr3-124951337-C-G.
Other names: c.2233G>C, p.Ala745Pro (NM_001348424.1, NM_001348425.2, NM_001348426.2 and 7 more transcripts); c.2107G>C, p.Ala703Pro (NM_001348434.2); short protein forms A703P, A745P.
Identifiers: ClinVar variation 4076347 (VCV004076347.1).